The following is an entry in ClinVar:

NM_001367624.2(ZNF469):c.5663A>G (p.His1888Arg)

Gene: ZNF469 (zinc finger protein 469; plus strand). Cytogenetic location: 16q24.2.
Variant type: single nucleotide variant.
Coding change: c.5663A>G on transcript NM_001367624.2 (MANE Select); coding-DNA position 5663, A replaced by G.
Protein change: p.His1888Arg; replaces histidine 1888 with arginine.
Molecular consequence: missense variant.
Genome position (GRCh38, 1-based): chr16:88,433,133, A>G. VCF-style: chr16-88433133-A-G. GRCh37 (hg19) VCF-style: chr16-88499541-A-G.
Other names: NM_001127464.1:c.5579A>G; short protein forms H1888R.
Identifiers: ClinVar variation 3476227 (VCV003476227.1).

ClinVar aggregate classification (germline): Uncertain significance (1 of 4 stars; one submission).

Conditions:
Cardiovascular phenotype. Identifiers: MedGen CN230736.

Submission:

Ambry Genetics
Classification: Uncertain significance for Cardiovascular phenotype. Last evaluated: 2024-10-07. Review status: criteria provided, single submitter. Criteria: Ambry Variant Classification Scheme 2023. Collection method: clinical testing. Allele origin: germline.
Comment: The p.H1860R variant (also known as c.5579A>G), located in coding exon 2 of the ZNF469 gene, results from an A to G substitution at nucleotide position 5579. The histidine at codon 1860 is replaced by arginine, an amino acid with highly similar properties. This amino acid position is conserved. In addition, this alteration is predicted to be tolerated by in silico analysis. Based on the available evidence, the clinical significance of this variant remains unclear.